The following is an entry in ClinVar:

ClinVar aggregate classification (germline): Pathogenic (1 of 4 stars; one submission).

Conditions:
Telangiectasia, hereditary hemorrhagic, type 2 (HHT2). Also called: ACVRL1-Related Hereditary Hemorrhagic Telangiectasia; Telangiectasia, hereditary hemorrhagic, type II. Identifiers: Orphanet 774, MedGen C1838163, MONDO:0010880, OMIM 600376. Disease mechanism: loss of function.

Submission:

Labcorp Genetics (formerly Invitae), Labcorp
Classification: Pathogenic for Telangiectasia, hereditary hemorrhagic, type 2. Last evaluated: 2024-08-28. Review status: criteria provided, single submitter. Criteria: Invitae Variant Classification Sherloc (09022015). Collection method: clinical testing. Allele origin: germline.
Comment: This sequence change replaces leucine, which is neutral and non-polar, with arginine, which is basic and polar, at codon 294 of the ACVRL1 protein (p.Leu294Arg). This variant is not present in population databases (gnomAD no frequency). This missense change has been observed in individuals with clinical features of hereditary hemorrhagic telangiectasia (PMID: 20414677; internal data). It has also been observed to segregate with disease in related individuals. ClinVar contains an entry for this variant (Variation ID: 1482657). Invitae Evidence Modeling of protein sequence and biophysical properties (such as structural, functional, and spatial information, amino acid conservation, physicochemical variation, residue mobility, and thermodynamic stability) indicates that this missense variant is expected to disrupt ACVRL1 protein function with a positive predictive value of 95%. For these reasons, this variant has been classified as Pathogenic.

Literature cited by the submitters: PubMed 20414677.

NM_000020.3(ACVRL1):c.881T>G (p.Leu294Arg)

Gene: ACVRL1 (activin A receptor like type 1; plus strand). Cytogenetic location: 12q13.13.
Variant type: single nucleotide variant.
Coding change: c.881T>G on transcript NM_000020.3 (MANE Select); coding-DNA position 881, T replaced by G.
Protein change: p.Leu294Arg; replaces leucine 294 with arginine.
Molecular consequence: missense variant.
Genome position (GRCh38, 1-based): chr12:51,915,333, T>G. VCF-style: chr12-51915333-T-G. GRCh37 (hg19) VCF-style: chr12-52309117-T-G.
Other names: c.881T>G, p.Leu294Arg (NM_001077401.2); short protein forms L294R.
Identifiers: ClinVar variation 1482657 (VCV001482657.6), dbSNP rs2139073155, ClinGen allele CA384900694.